The following is an entry in ClinVar:

ClinVar aggregate classification (germline): Uncertain significance. Review status: criteria provided, multiple submitters, no conflicts (2 of 4 stars). 2 submissions from 2 submitters: Uncertain significance (2). Last evaluated 2026-09-01.

Allele frequency attached by ClinVar (database versions not stated): ExAC 0.00004; ESP Exome Variant Server 0.00008; 1000 Genomes Project 30x 0.00016; 1000 Genomes Project 0.00020.
gnomAD v4.1: 17 of 1,555,958 alleles (0.0011%); highest among the groups gnomAD compares: African/African-American, 0.0054%; no homozygotes.

Submissions (2):

CeGaT Center for Human Genetics Tuebingen
Classification: Uncertain significance. Last evaluated: 2026-09-01. Review status: criteria provided, single submitter. Criteria: CeGaT Center For Human Genetics Tuebingen Variant Classification Criteria Version 2. Collection method: clinical testing. Allele origin: germline. Affected: yes. Observed: 1 variant allele.
Comment: SNX14: PM2, BP4

Labcorp Genetics (formerly Invitae), Labcorp
Classification: Uncertain significance. Last evaluated: 2024-01-15. Review status: criteria provided, single submitter. Criteria: Invitae Variant Classification Sherloc (09022015). Collection method: clinical testing. Allele origin: germline.
Comment: This sequence change replaces isoleucine, which is neutral and non-polar, with valine, which is neutral and non-polar, at codon 189 of the SNX14 protein (p.Ile189Val). This variant is present in population databases (rs148838600, gnomAD 0.006%). This variant has not been reported in the literature in individuals affected with SNX14-related conditions. ClinVar contains an entry for this variant (Variation ID: 2421343). Advanced modeling of protein sequence and biophysical properties (such as structural, functional, and spatial information, amino acid conservation, physicochemical variation, residue mobility, and thermodynamic stability) performed at Invitae indicates that this missense variant is not expected to disrupt SNX14 protein function with a negative predictive value of 80%. In summary, the available evidence is currently insufficient to determine the role of this variant in disease. Therefore, it has been classified as a Variant of Uncertain Significance.

NM_153816.6(SNX14):c.565A>G (p.Ile189Val)

Gene: SNX14 (sorting nexin 14; minus strand). Cytogenetic location: 6q14.3.
Variant type: single nucleotide variant.
Coding change: c.565A>G on transcript NM_153816.6 (MANE Select); coding-DNA position 565, A replaced by G.
Protein change: p.Ile189Val; replaces isoleucine 189 with valine.
Molecular consequence: missense variant. On other transcripts: 5 prime UTR variant (5), non-coding transcript variant (6), intron variant (2).
Genome position (GRCh38, 1-based): chr6:85,558,045, T>C on the plus strand (A>G on the coding strand, the complement: SNX14 is on the minus strand). VCF-style: chr6-85558045-T-C. GRCh37 (hg19) VCF-style: chr6-86267763-T-C.
Other names: c.565A>G, p.Ile189Val (NM_001297614.3, NM_001350538.2, NM_001350540.2 and 1 more transcripts); c.409A>G, p.Ile137Val (NM_001304479.2, NM_001350544.2); c.628A>G, p.Ile210Val (NM_001350532.2); c.562A>G, p.Ile188Val (NM_001350533.2, NM_001350534.2, NM_001350535.2); c.433A>G, p.Ile145Val (NM_001350536.2, NM_020468.6); c.430A>G, p.Ile144Val (NM_001350537.2); c.406A>G, p.Ile136Val (NM_001350539.2); c.277A>G, p.Ile93Val (NM_001350542.2); and 6 more; short protein forms I136V, I137V, I144V, I145V, I188V, I189V, I210V, I41V.
Identifiers: ClinVar variation 2421343 (VCV002421343.44), dbSNP rs148838600, ClinGen allele CA3912390.